The following is an entry in ClinVar:

ClinVar aggregate classification (germline): Conflicting classifications of pathogenicity. Review status: criteria provided, conflicting classifications (1 of 4 stars). 2 submissions from 2 submitters: Uncertain significance (1); Likely benign (1). Last evaluated 2026-01-12.

Conditions:
PLXNA3-related disorder. Also called: PLXNA3-related condition.

Allele frequency attached by ClinVar (database versions not stated): gnomAD exomes 0.00003; ExAC 0.00014; 1000 Genomes Project 0.00026; gnomAD 0.00026; TOPMed 0.00029; 1000 Genomes Project 30x 0.00042; ESP Exome Variant Server 0.00048.
gnomAD v4.1: 58 of 1,196,086 alleles (0.0048%); highest among the groups gnomAD compares: African/African-American, 0.094%; no homozygotes.

Submissions (2):

PreventionGenetics, part of Exact Sciences
Classification: Likely benign for PLXNA3-related condition. Last evaluated: 2026-01-12. Review status: criteria provided, single submitter. Criteria: ACMG Guidelines, 2015. Collection method: clinical testing. Allele origin: germline.
Comment: This variant is classified as likely benign based on ACMG/AMP sequence variant interpretation guidelines (Richards et al. 2015 PMID: 25741868, with internal and published modifications).

Ambry Genetics
Classification: Uncertain significance. Last evaluated: 2021-07-06. Review status: criteria provided, single submitter. Criteria: Ambry Variant Classification Scheme 2023. Collection method: clinical testing. Allele origin: germline.

NM_017514.5(PLXNA3):c.3415A>C (p.Lys1139Gln)

Gene: PLXNA3 (plexin A3; plus strand). Cytogenetic location: Xq28.
Variant type: single nucleotide variant.
Coding change: c.3415A>C on transcript NM_017514.5 (MANE Select); coding-DNA position 3415, A replaced by C.
Protein change: p.Lys1139Gln; replaces lysine 1139 with glutamine.
Molecular consequence: missense variant.
Genome position (GRCh38, 1-based): chrX:154,467,445, A>C. VCF-style: chrX-154467445-A-C. GRCh37 (hg19) VCF-style: chrX-153695788-A-C.
Other names: c.3415A>C (NM_017514.3); short protein forms K1139Q.
Identifiers: ClinVar variation 3035991 (VCV003035991.4), dbSNP rs140776875, ClinGen allele CA10564618.